The following is an entry in ClinVar:

ClinVar aggregate classification (germline): Likely benign. Review status: criteria provided, single submitter (1 of 4 stars). 2 submissions from 2 submitters: Likely benign (1). 1 of the submissions does not count toward it. Last evaluated 2026-09-21.

Conditions:
TRIM63-related disorder. Also called: TRIM63-related condition.

Allele frequency attached by ClinVar (database versions not stated): gnomAD 0.00003; TOPMed 0.00003; ExAC 0.00004; 1000 Genomes Project 0.00040; 1000 Genomes Project 30x 0.00047; gnomAD exomes 0.00004.
gnomAD v4.1: 68 of 1,614,188 alleles (0.0042%); highest among the groups gnomAD compares: East Asian, 0.051%; no homozygotes.

Submissions (2):

Molecular Diagnostic Laboratory for Inherited Cardiovascular Disease, Montreal Heart Institute
Classification: Likely benign. Last evaluated: 2026-09-21. Review status: criteria provided, single submitter. Criteria: ACMG Guidelines, 2015. Collection method: clinical testing. Allele origin: germline. Affected: no.

PreventionGenetics, part of Exact Sciences
Classification: Likely benign for TRIM63-related condition. Last evaluated: 2019-04-09. Review status: no assertion criteria provided. Collection method: clinical testing. Allele origin: germline. Not counted in ClinVar's aggregate classification.
Comment: This variant is classified as likely benign based on ACMG/AMP sequence variant interpretation guidelines (Richards et al. 2015 PMID: 25741868, with internal and published modifications).

NM_032588.4(TRIM63):c.624G>A (p.Glu208=)

Gene: TRIM63 (tripartite motif containing 63; minus strand). Cytogenetic location: 1p36.11.
Variant type: single nucleotide variant.
Coding change: c.624G>A on transcript NM_032588.4 (MANE Select); coding-DNA position 624, G replaced by A.
Protein change: p.Glu208=; no amino-acid change (glutamic acid 208 retained).
Molecular consequence: synonymous variant.
Genome position (GRCh38, 1-based): chr1:26,058,597, C>T on the plus strand (G>A on the coding strand, the complement: TRIM63 is on the minus strand). VCF-style: chr1-26058597-C-T. GRCh37 (hg19) VCF-style: chr1-26385088-C-T.
Identifiers: ClinVar variation 3057405 (VCV003057405.3), dbSNP rs183036213, ClinGen allele CA699589.